The following is an entry in ClinVar:

NM_001165963.4(SCN1A):c.4002+2289C>A

Genes: SCN1A (sodium voltage-gated channel alpha subunit 1; minus strand), LOC102724058 (uncharacterized LOC102724058; plus strand). Cytogenetic location: 2q24.3.
Variant type: single nucleotide variant.
Coding change: c.4002+2289C>A on transcript NM_001165963.4 (MANE Select); 2289 bases into the intron after coding-DNA position 4002, C replaced by A.
Molecular consequence: intron variant.
Genome position (GRCh38, 1-based): chr2:166,007,430, G>T on the plus strand (C>A on the coding strand, the complement: SCN1A is on the minus strand). VCF-style: chr2-166007430-G-T. GRCh37 (hg19) VCF-style: chr2-166863940-G-T.
Other names: c.3969+2289C>A (NM_001353949.2, NM_001353950.2, NM_001353951.2 and 2 more transcripts); c.3918+2289C>A (NM_001353958.2, NM_001353957.2, NM_001165964.3); c.4002+2289C>A (NM_001202435.3, NM_001353948.2); c.3966+2289C>A (NM_001353955.2, NM_001353954.2); c.3915+2289C>A (NM_001353960.2); c.1560+2289C>A (NM_001353961.2).
Identifiers: ClinVar variation 2802219 (VCV002802219.3), dbSNP rs1395374895, ClinGen allele CA2739271476.

ClinVar aggregate classification (germline): Uncertain significance (1 of 4 stars; one submission).

Conditions:
Early-infantile DEE. Also called: Early infantile epileptic encephalopathy; Early infantile epileptic encephalopathy with suppression bursts; Ohtahara syndrome. Identifiers: Orphanet 1934, MedGen C0393706, MONDO:0800491.

Submission:

Labcorp Genetics (formerly Invitae), Labcorp
Classification: Uncertain significance for Early-infantile DEE. Last evaluated: 2024-05-15. Review status: criteria provided, single submitter. Criteria: Invitae Variant Classification Sherloc (09022015). Collection method: clinical testing. Allele origin: germline.
Comment: This sequence change falls in intron 20 of the SCN1A gene. It does not directly change the encoded amino acid sequence of the SCN1A protein. However, this sequence change falls within a region encompassing a cryptic exon in the SCN1A gene, in which variants have been shown to alter splicing (PMID: 30526861, 34107977). This variant is not present in population databases (gnomAD no frequency). This variant has not been reported in the literature in individuals affected with SCN1A-related conditions. Algorithms developed to predict the effect of sequence changes on RNA splicing suggest that this variant is not likely to affect RNA splicing. In summary, the available evidence is currently insufficient to determine the role of this variant in disease. Therefore, it has been classified as a Variant of Uncertain Significance.

Literature cited by the submitters: PubMed 30526861; PubMed 34107977.